The following is an entry in ClinVar:

ClinVar aggregate classification (germline): Uncertain significance (1 of 4 stars; one submission).

Submission:

Labcorp Genetics (formerly Invitae), Labcorp
Classification: Uncertain significance. Last evaluated: 2021-06-19. Review status: criteria provided, single submitter. Criteria: Invitae Variant Classification Sherloc (09022015). Collection method: clinical testing. Allele origin: germline.
Comment: In summary, the available evidence is currently insufficient to determine the role of this variant in disease. Therefore, it has been classified as a Variant of Uncertain Significance. Algorithms developed to predict the effect of missense changes on protein structure and function are either unavailable or do not agree on the potential impact of this missense change (SIFT: "Tolerated"; PolyPhen-2: "Possibly Damaging"; Align-GVGD: "Class C0"). This variant has not been reported in the literature in individuals with CD81-related conditions. This variant is not present in population databases (ExAC no frequency). This sequence change replaces aspartic acid with glutamic acid at codon 117 of the CD81 protein (p.Asp117Glu). The aspartic acid residue is highly conserved and there is a small physicochemical difference between aspartic acid and glutamic acid.

NM_004356.4(CD81):c.351C>A (p.Asp117Glu)

Gene: CD81 (CD81 molecule; plus strand). Cytogenetic location: 11p15.5.
Variant type: single nucleotide variant.
Coding change: c.351C>A on transcript NM_004356.4 (MANE Select); coding-DNA position 351, C replaced by A.
Protein change: p.Asp117Glu; replaces aspartic acid 117 with glutamic acid.
Molecular consequence: missense variant.
Genome position (GRCh38, 1-based): chr11:2,395,043, C>A. VCF-style: chr11-2395043-C-A. GRCh37 (hg19) VCF-style: chr11-2416273-C-A.
Other names: c.138C>A, p.Asp46Glu (NM_001297649.2); short protein forms D46E, D117E.
Identifiers: ClinVar variation 1514194 (VCV001514194.8), dbSNP rs2133464060, ClinGen allele CA379124001.
Genomic context (GRCh38, chr11:2,395,043, plus strand): 5'-CCTGGTCATCCTGTTTGCCTGTGAGGTGGCCGCCGGCATCTGGGGCTTTGTCAACAAGGA[C>A]CAGGTGAGCCTGGGTGTGCAGGGACAGGGTGGGGTGGGTGACGGGGGCACCCTCCTCTCC-3'
Protein context (NP_004347.1, residues 107-127): AAGIWGFVNK[Asp117Glu]QIAKDVKQFY